The following is an entry in ClinVar:

NM_001042750.2(STAG2):c.2867C>T (p.Ala956Val)

Gene: STAG2 (STAG2 cohesin complex component; plus strand). Cytogenetic location: Xq25.
Variant type: single nucleotide variant.
Coding change: c.2867C>T on transcript NM_001042750.2 (MANE Select); coding-DNA position 2867, C replaced by T.
Protein change: p.Ala956Val; replaces alanine 956 with valine.
Molecular consequence: missense variant.
Genome position (GRCh38, 1-based): chrX:124,081,471, C>T. VCF-style: chrX-124081471-C-T. GRCh37 (hg19) VCF-style: chrX-123215321-C-T.
Other names: c.2867C>T, p.Ala956Val (NM_001375366.1, NM_001375367.1, NM_001375368.1 and 13 more transcripts); short protein forms A956V.
Identifiers: ClinVar variation 3650051 (VCV003650051.2).

ClinVar aggregate classification (germline): Uncertain significance (1 of 4 stars; one submission).

Submission:

Labcorp Genetics (formerly Invitae), Labcorp
Classification: Uncertain significance. Last evaluated: 2024-04-16. Review status: criteria provided, single submitter. Criteria: Invitae Variant Classification Sherloc (09022015). Collection method: clinical testing. Allele origin: germline.
Comment: This sequence change replaces alanine, which is neutral and non-polar, with valine, which is neutral and non-polar, at codon 956 of the STAG2 protein (p.Ala956Val). This variant is not present in population databases (gnomAD no frequency). This variant has not been reported in the literature in individuals affected with STAG2-related conditions. Advanced modeling of protein sequence and biophysical properties (such as structural, functional, and spatial information, amino acid conservation, physicochemical variation, residue mobility, and thermodynamic stability) performed at Invitae indicates that this missense variant is not expected to disrupt STAG2 protein function with a negative predictive value of 80%. In summary, the available evidence is currently insufficient to determine the role of this variant in disease. Therefore, it has been classified as a Variant of Uncertain Significance.